The following is an entry in ClinVar:

ClinVar aggregate classification (germline): Uncertain significance. Review status: criteria provided, multiple submitters, no conflicts (2 of 4 stars). 3 submissions from 3 submitters: Uncertain significance (3). Last evaluated 2026-06-01.

Conditions:
FG syndrome 4 (FGS4). Identifiers: MedGen C1845546, MONDO:0010318, OMIM 300422.
Intellectual disability, CASK-related, X-linked. Identifiers: MedGen CN043158.

Allele frequency attached by ClinVar (database versions not stated): gnomAD exomes below 0.00001; TOPMed below 0.00001.
gnomAD v4.1: 1 of 1,108,919 alleles (0.00009%); highest among the groups gnomAD compares: East Asian, 0.003%; no homozygotes.

Submissions (4):

CeGaT Center for Human Genetics Tuebingen
Classification: Uncertain significance. Last evaluated: 2026-06-01. Review status: criteria provided, single submitter. Criteria: CeGaT Center For Human Genetics Tuebingen Variant Classification Criteria Version 2. Collection method: clinical testing. Allele origin: germline. Affected: yes. Observed: 1 variant allele.
Comment: CASK: PM2, PP3

3billion
Classification: Uncertain significance for FG syndrome 4. Last evaluated: 2025-07-28. Review status: criteria provided, single submitter. Criteria: ACMG Guidelines, 2015. Collection method: clinical testing. Allele origin: germline. Affected: yes.
Comment: The variant is observed at an extremely low frequency in the gnomAD v4.1.0 dataset (total allele frequency: <0.001%). Predicted Consequence/Location: Missense variant In silico tool predictions suggest damaging effect of the variant on gene or gene product [REVEL: 0.87 (>=0.6, sensitivity 0.68 and specificity 0.92)]. The variant has been reported as of uncertain significance (ClinVar ID: VCV001397133). Therefore, this variant is classified as VUS according to the recommendation of ACMG/AMP guideline.

Labcorp Genetics (formerly Invitae), Labcorp
Classification: Uncertain significance for Intellectual disability, CASK-related, X-linked. Last evaluated: 2022-01-16. Review status: criteria provided, single submitter. Criteria: Invitae Variant Classification Sherloc (09022015). Collection method: clinical testing. Allele origin: germline.
Comment: In summary, the available evidence is currently insufficient to determine the role of this variant in disease. Therefore, it has been classified as a Variant of Uncertain Significance. Algorithms developed to predict the effect of missense changes on protein structure and function (SIFT, PolyPhen-2, Align-GVGD) all suggest that this variant is likely to be disruptive. This missense change has been observed in at least one individual who was not affected with CASK-related conditions (Invitae). This variant has not been reported in the literature in individuals affected with CASK-related conditions. This variant is not present in population databases (gnomAD no frequency). This sequence change replaces arginine, which is basic and polar, with glutamine, which is neutral and polar, at codon 681 of the CASK protein (p.Arg681Gln).

Dr. Peter K. Rogan Lab, Western University
No classification provided (evidence only). Condition: Thyroid cancer, nonmedullary, 1. Review status: no classification provided. Collection method: in vitro. Allele origin: not applicable. Functional consequence: retained intron. Not counted in ClinVar's aggregate classification.

NM_001367721.1(CASK):c.2042G>A (p.Arg681Gln)

Gene: CASK (calcium/calmodulin dependent serine protein kinase; minus strand). Cytogenetic location: Xp11.4.
Variant type: single nucleotide variant.
Coding change: c.2042G>A on transcript NM_001367721.1 (MANE Select); coding-DNA position 2042, G replaced by A.
Protein change: p.Arg681Gln; replaces arginine 681 with glutamine.
Molecular consequence: missense variant.
Genome position (GRCh38, 1-based): chrX:41,542,804, C>T on the plus strand (G>A on the coding strand, the complement: CASK is on the minus strand). VCF-style: chrX-41542804-C-T. GRCh37 (hg19) VCF-style: chrX-41402057-C-T.
Other names: c.1973G>A, p.Arg658Gln (NM_001126054.3); c.1955G>A, p.Arg652Gln (NM_001126055.3); c.2024G>A, p.Arg675Gln (NM_001410745.1); c.2042G>A, p.Arg681Gln (NM_003688.4); short protein forms R681Q, R658Q, R652Q, R675Q.
Identifiers: ClinVar variation 1397133 (VCV001397133.10), dbSNP rs2064965930, ClinGen allele CA412992470.